The following is an entry in ClinVar:

NM_002519.3(NPAT):c.1279G>T (p.Ala427Ser)

Gene: NPAT (nuclear protein, coactivator of histone transcription; minus strand). Cytogenetic location: 11q22.3.
Variant type: single nucleotide variant.
Coding change: c.1279G>T on transcript NM_002519.3 (MANE Select); coding-DNA position 1279, G replaced by T.
Protein change: p.Ala427Ser; replaces alanine 427 with serine.
Molecular consequence: missense variant.
Genome position (GRCh38, 1-based): chr11:108,173,705, C>A on the plus strand (G>T on the coding strand, the complement: NPAT is on the minus strand). VCF-style: chr11-108173705-C-A. GRCh37 (hg19) VCF-style: chr11-108044432-C-A.
Other names: c.1279G>T, p.Ala427Ser (NM_001321307.1); short protein forms A427S.
Identifiers: ClinVar variation 1767409 (VCV001767409.2), dbSNP rs748820751, ClinGen allele CA6264027.
Genomic context (GRCh38, chr11:108,173,705, plus strand): 5'-CGGACTCAAAGGTAATGTCAATGTCACACTTCTGTTCAGTGGGTACAGCTGTTTTAAAGG[C>A]CTTTTTCTGTATGCTGGTACTTATTTGGGAAAAATTTTCCTGGTCTTCTTGTCTAAGCAC-3'
Protein context (NP_002510.2, residues 417-437): SQISTSIQKK[Ala427Ser]FKTAVPTEQK

ClinVar aggregate classification (germline): Uncertain significance (1 of 4 stars; one submission).

Submission:

Ambry Genetics
Classification: Uncertain significance. Last evaluated: 2023-12-15. Review status: criteria provided, single submitter. Criteria: Ambry Variant Classification Scheme 2023. Collection method: clinical testing. Allele origin: germline.
Comment: The p.A427S variant (also known as c.1279G>T), located in coding exon 13 of the NPAT gene, results from a G to T substitution at nucleotide position 1279. The alanine at codon 427 is replaced by serine, an amino acid with similar properties. This amino acid position is conserved. In addition, this alteration is predicted to be tolerated by in silico analysis. Since supporting evidence is limited at this time, the clinical significance of this alteration remains unclear.